The following is an entry in ClinVar:

ClinVar aggregate classification (germline): Benign (1 of 4 stars; one submission).

Conditions:
Hereditary diffuse gastric adenocarcinoma (HDGC). Also called: DIFFUSE GASTRIC AND LOBULAR BREAST CANCER SYNDROME. Identifiers: Orphanet 26106, MedGen C1708349, MONDO:0007648, OMIM 137215.

Submission:

Myriad Genetics, Inc.
Classification: Benign for Hereditary diffuse gastric adenocarcinoma. Last evaluated: 2024-09-17. Review status: criteria provided, single submitter. Criteria: Myriad Autosomal Dominant, Autosomal Recessive and X-Linked Classification Criteria (2023). Collection method: clinical testing. Allele origin: unknown.
Comment: This variant is considered benign. This variant is a silent/synonymous amino acid change and it is not expected to impact splicing.

NM_004360.5(CDH1):c.1071A>C (p.Thr357=)

Gene: CDH1 (cadherin 1; plus strand). Cytogenetic location: 16q22.1.
Variant type: single nucleotide variant.
Coding change: c.1071A>C on transcript NM_004360.5 (MANE Select); coding-DNA position 1071, A replaced by C.
Protein change: p.Thr357=; no amino-acid change (threonine 357 retained).
Molecular consequence: synonymous variant. On other transcripts: 5 prime UTR variant (2).
Genome position (GRCh38, 1-based): chr16:68,812,197, A>C. VCF-style: chr16-68812197-A-C. GRCh37 (hg19) VCF-style: chr16-68846100-A-C.
Other names: c.1071A>C, p.Thr357= (NM_001317184.2); c.-545A>C (NM_001317185.2); c.-749A>C (NM_001317186.2).
Identifiers: ClinVar variation 3378798 (VCV003378798.1).